The following is an entry in ClinVar:

NM_001267550.2(TTN):c.71903A>C (p.Asn23968Thr)

Genes: TTN (titin; minus strand), TTN-AS1 (TTN antisense RNA 1; plus strand). Cytogenetic location: 2q31.2.
Variant type: single nucleotide variant.
Coding change: c.71903A>C on transcript NM_001267550.2 (MANE Select); coding-DNA position 71903, A replaced by C.
Protein change: p.Asn23968Thr; replaces asparagine 23968 with threonine.
Molecular consequence: missense variant.
Genome position (GRCh38, 1-based): chr2:178,574,229, T>G on the plus strand (A>C on the coding strand, the complement: TTN is on the minus strand). VCF-style: chr2-178574229-T-G. GRCh37 (hg19) VCF-style: chr2-179438956-T-G.
Other names: c.66980A>C, p.Asn22327Thr (NM_001256850.1); c.44708A>C, p.Asn14903Thr (NM_003319.4); c.64199A>C, p.Asn21400Thr (NM_133378.4); c.45083A>C, p.Asn15028Thr (NM_133432.3); c.45284A>C, p.Asn15095Thr (NM_133437.4); short protein forms N22327T, N23968T, N14903T, N21400T, N15028T, N15095T.
Identifiers: ClinVar variation 506427 (VCV000506427.14), dbSNP rs769320596, ClinGen allele CA1990570.

ClinVar aggregate classification (germline): Conflicting classifications of pathogenicity. Review status: criteria provided, conflicting classifications (1 of 4 stars). 6 submissions from 6 submitters: Uncertain significance (5); Likely benign (1). Last evaluated 2026-03-17.

Conditions:
Cardiovascular phenotype. Identifiers: MedGen CN230736.
Distal myopathy. Identifiers: Orphanet 599, MedGen C0751336, MONDO:0018949.
TTN-related disorder. Also called: TTN-related condition; TTN-related disease; TTN-related disorders.

Allele frequency attached by ClinVar (database versions not stated): ExAC 0.00002; gnomAD 0.00002; gnomAD exomes 0.00002 and 0.00003; TOPMed 0.00003.
gnomAD v4.1: 43 of 1,613,208 alleles (0.0027%); highest among the groups gnomAD compares: Non-Finnish European, 0.0012%; no homozygotes.

Submissions (6):

PreventionGenetics, part of Exact Sciences
Classification: Uncertain significance for TTN-related condition. Last evaluated: 2026-03-17. Review status: criteria provided, single submitter. Criteria: ACMG Guidelines, 2015. Collection method: clinical testing. Allele origin: germline.
Comment: The TTN c.71903A>C variant is predicted to result in the amino acid substitution p.Asn23968Thr. This variant has been reported in an individual with left ventricular noncompaction cardiomyopathy (Chakova et al. 2023. doi 10.1134/S1022795423070037). This variant is reported in 0.020% of alleles in individuals of Ashkenazi Jewish descent in gnomAD. At this time, the clinical significance of this variant is uncertain due to the absence of conclusive functional and genetic evidence.

Revvity Omics, Revvity
Classification: Uncertain significance. Last evaluated: 2021-06-17. Review status: criteria provided, single submitter. Criteria: ACMG Guidelines, 2015. Collection method: clinical testing. Allele origin: germline.

Cambridge Genomics Laboratory, East Genomic Laboratory Hub, NHS Genomic Medicine Service
Classification: Uncertain significance for Distal myopathy. Last evaluated: 2019-04-17. Review status: criteria provided, single submitter. Criteria: ACGS Best Practice Guidelines for Variant Classification in Rare Disease 2020. Collection method: clinical testing. Allele origin: germline. Affected: yes. Observed: 1 variant allele.

Eurofins Ntd Llc (ga)
Classification: Uncertain significance. Last evaluated: 2018-08-10. Review status: criteria provided, single submitter. Criteria: EGL ClinVar v180209 classification definitions. Collection method: clinical testing. Allele origin: germline. Observed: 1 variant allele, 1 heterozygote.

Ambry Genetics
Classification: Uncertain significance for Cardiovascular phenotype. Last evaluated: 2018-03-07. Review status: criteria provided, single submitter. Criteria: Ambry Variant Classification Scheme 2023. Collection method: clinical testing. Allele origin: germline.
Comment: The p.N14903T variant (also known as c.44708A>C), located in coding exon 153 of the TTN gene, results from an A to C substitution at nucleotide position 44708. The asparagine at codon 14903 is replaced by threonine, an amino acid with similar properties. This amino acid position is not well conserved in available vertebrate species. In addition, this alteration is predicted to be tolerated by in silico analysis. Since supporting evidence is limited at this time, the clinical significance of this alteration remains unclear.

GeneDx
Classification: Likely benign. Last evaluated: 2018-02-20. Review status: criteria provided, single submitter. Criteria: GeneDx Variant Classification (06012015). Collection method: clinical testing. Allele origin: germline. Affected: yes.
Comment: This variant is considered likely benign or benign based on one or more of the following criteria: it is a conservative change, it occurs at a poorly conserved position in the protein, it is predicted to be benign by multiple in silico algorithms, and/or has population frequency not consistent with disease.